The following is an entry in ClinVar:

NM_006734.4(HIVEP2):c.1673C>A (p.Pro558His)

Gene: HIVEP2 (HIVEP zinc finger 2; minus strand). Cytogenetic location: 6q24.2.
Variant type: single nucleotide variant.
Coding change: c.1673C>A on transcript NM_006734.4 (MANE Select); coding-DNA position 1673, C replaced by A.
Protein change: p.Pro558His; replaces proline 558 with histidine.
Molecular consequence: missense variant.
Genome position (GRCh38, 1-based): chr6:142,773,066, G>T on the plus strand (C>A on the coding strand, the complement: HIVEP2 is on the minus strand). VCF-style: chr6-142773066-G-T. GRCh37 (hg19) VCF-style: chr6-143094203-G-T.
Other names: short protein forms P558H.
Identifiers: ClinVar variation 3685760 (VCV003685760.2).
Genomic context (GRCh38, chr6:142,773,066, plus strand): 5'-TAGAATACATCGTCGGAACCAGTCATCCTTTCATCAAATGAGTGACTTCCTCTCAAAGAA[G>T]GAGGAATAGTTAGATTAGTTGCTGAAGAAGTTGGCACTGAGTTGCTTCTAATAAGGGGTG-3'
Protein context (NP_006725.3, residues 548-568): TSSATNLTIP[Pro558His]SLRGSHSFDE

ClinVar aggregate classification (germline): Uncertain significance (1 of 4 stars; one submission).

gnomAD v4.1: 12 of 1,614,218 alleles (0.00074%); highest among the groups gnomAD compares: Non-Finnish European, 0.001%; no homozygotes.

Submission:

Labcorp Genetics (formerly Invitae), Labcorp
Classification: Uncertain significance. Last evaluated: 2024-03-18. Review status: criteria provided, single submitter. Criteria: Invitae Variant Classification Sherloc (09022015). Collection method: clinical testing. Allele origin: germline.
Comment: This sequence change replaces proline, which is neutral and non-polar, with histidine, which is basic and polar, at codon 558 of the HIVEP2 protein (p.Pro558His). This variant is present in population databases (rs775867444, gnomAD 0.002%). This variant has not been reported in the literature in individuals affected with HIVEP2-related conditions. Advanced modeling of protein sequence and biophysical properties (such as structural, functional, and spatial information, amino acid conservation, physicochemical variation, residue mobility, and thermodynamic stability) performed at Invitae indicates that this missense variant is not expected to disrupt HIVEP2 protein function with a negative predictive value of 80%. In summary, the available evidence is currently insufficient to determine the role of this variant in disease. Therefore, it has been classified as a Variant of Uncertain Significance.